The following is an entry in ClinVar:

ClinVar aggregate classification (germline): Uncertain significance. Review status: criteria provided, multiple submitters, no conflicts (2 of 4 stars). 3 submissions from 3 submitters: Uncertain significance (2). 1 of the submissions does not count toward it. Last evaluated 2023-10-28.

Conditions:
Catecholaminergic polymorphic ventricular tachycardia 1. Also called: RYR2-Related Catecholaminergic Polymorphic Ventricular Tachycardia; VENTRICULAR TACHYCARDIA, CATECHOLAMINERGIC POLYMORPHIC, 1, WITH OR WITHOUT ATRIAL DYSFUNCTION AND/OR DILATED CARDIOMYOPATHY; VENTRICULAR TACHYCARDIA, STRESS-INDUCED POLYMORPHIC 1. Identifiers: Orphanet 3286, MedGen C1631597, MONDO:0011484, OMIM 604772.

Allele frequency attached by ClinVar (database versions not stated): TOPMed 0.00001.

Submissions (3):

Labcorp Genetics (formerly Invitae), Labcorp
Classification: Uncertain significance for Catecholaminergic polymorphic ventricular tachycardia 1. Last evaluated: 2023-10-28. Review status: criteria provided, single submitter. Criteria: Invitae Variant Classification Sherloc (09022015). Collection method: clinical testing. Allele origin: germline.
Comment: This sequence change replaces lysine, which is basic and polar, with glutamic acid, which is acidic and polar, at codon 4795 of the RYR2 protein (p.Lys4795Glu). This variant is not present in population databases (gnomAD no frequency). This variant has not been reported in the literature in individuals affected with RYR2-related conditions. ClinVar contains an entry for this variant (Variation ID: 560659). Advanced modeling of protein sequence and biophysical properties (such as structural, functional, and spatial information, amino acid conservation, physicochemical variation, residue mobility, and thermodynamic stability) has been performed at Invitae for this missense variant, however the output from this modeling did not meet the statistical confidence thresholds required to predict the impact of this variant on RYR2 protein function. In summary, the available evidence is currently insufficient to determine the role of this variant in disease. Therefore, it has been classified as a Variant of Uncertain Significance.

GeneDx
Classification: Uncertain significance. Last evaluated: 2023-07-18. Review status: criteria provided, single submitter. Criteria: GeneDx Variant Classification Process June 2021. Collection method: clinical testing. Allele origin: germline. Affected: yes.
Comment: Has not been previously published as pathogenic or benign to our knowledge; Not observed at significant frequency in large population cohorts (gnomAD); In silico analysis supports that this missense variant has a deleterious effect on protein structure/function; Located in one of the three hot-spot regions of the RYR2 gene, where the majority of pathogenic missense variants occur (Medeiros-Domingo et al., 2009)

Clinical Molecular Genetics Laboratory, Johns Hopkins All Children's Hospital
Classification: Uncertain significance. Last evaluated: 2016-04-21. Review status: no assertion criteria provided. Collection method: clinical testing. Allele origin: germline. Affected: yes. Not counted in ClinVar's aggregate classification.

NM_001035.3(RYR2):c.14383A>G (p.Lys4795Glu)

Gene: RYR2 (ryanodine receptor 2; plus strand). Cytogenetic location: 1q43.
Variant type: single nucleotide variant.
Coding change: c.14383A>G on transcript NM_001035.3 (MANE Select); coding-DNA position 14383, A replaced by G.
Protein change: p.Lys4795Glu; replaces lysine 4795 with glutamic acid.
Molecular consequence: missense variant.
Genome position (GRCh38, 1-based): chr1:237,808,985, A>G. VCF-style: chr1-237808985-A-G. GRCh37 (hg19) VCF-style: chr1-237972285-A-G.
Other names: c.14383A>G, p.Lys4795Glu (LRG_402t1); short protein forms K4795E.
Identifiers: ClinVar variation 560659 (VCV000560659.5), dbSNP rs1558462911, ClinGen allele CA345424370.
Genomic context (GRCh38, chr1:237,808,985, plus strand): 5'-GCTGTTGTTGTATACCTATACACTGTGGTGGCATTCAATTTTTTCCGAAAATTCTACAAT[A>G]AAAGTGAAGATGGTGATACACCAGATATGAAATGTGACGATATGCTAACAGTAAGTTCAT-3'
Protein context (NP_001026.2, residues 4785-4805): AFNFFRKFYN[Lys4795Glu]SEDGDTPDMK